The following is an entry in ClinVar:

ClinVar aggregate classification (germline): Uncertain significance (1 of 4 stars; one submission).

Allele frequency attached by ClinVar (database versions not stated): gnomAD exomes below 0.00001; gnomAD 0.00001; TOPMed 0.00001.
gnomAD v4.1: 7 of 1,607,756 alleles (0.00044%); highest among the groups gnomAD compares: Non-Finnish European, 0.0006%; no homozygotes.

Submission:

Labcorp Genetics (formerly Invitae), Labcorp
Classification: Uncertain significance. Last evaluated: 2024-12-05. Review status: criteria provided, single submitter. Criteria: Invitae Variant Classification Sherloc (09022015). Collection method: clinical testing. Allele origin: germline.
Comment: This sequence change replaces glutamine, which is neutral and polar, with glutamic acid, which is acidic and polar, at codon 285 of the ABCA4 protein (p.Gln285Glu). This variant is present in population databases (no rsID available, gnomAD 0.0009%). This variant has not been reported in the literature in individuals affected with ABCA4-related conditions. ClinVar contains an entry for this variant (Variation ID: 1061066). Invitae Evidence Modeling of protein sequence and biophysical properties (such as structural, functional, and spatial information, amino acid conservation, physicochemical variation, residue mobility, and thermodynamic stability) indicates that this missense variant is not expected to disrupt ABCA4 protein function with a negative predictive value of 95%. In summary, the available evidence is currently insufficient to determine the role of this variant in disease. Therefore, it has been classified as a Variant of Uncertain Significance.

NM_000350.3(ABCA4):c.853C>G (p.Gln285Glu)

Gene: ABCA4 (ATP binding cassette subfamily A member 4; minus strand). Cytogenetic location: 1p22.1.
Variant type: single nucleotide variant.
Coding change: c.853C>G on transcript NM_000350.3 (MANE Select); coding-DNA position 853, C replaced by G.
Protein change: p.Gln285Glu; replaces glutamine 285 with glutamic acid.
Molecular consequence: missense variant.
Genome position (GRCh38, 1-based): chr1:94,083,357, G>C on the plus strand (C>G on the coding strand, the complement: ABCA4 is on the minus strand). VCF-style: chr1-94083357-G-C. GRCh37 (hg19) VCF-style: chr1-94548913-G-C.
Other names: c.853C>G, p.Gln285Glu (NM_001425324.1); short protein forms Q285E.
Identifiers: ClinVar variation 1061066 (VCV001061066.8), dbSNP rs886041951, ClinGen allele CA341284878.
Genomic context (GRCh38, chr1:94,083,357, plus strand): 5'-GGTAAATGGTGGAAAGACATAATGAAATTATAATTACTACCATCAGGCTACTCACCTCTT[G>C]AATTCTTGGTGACATATCAGATAATATTCCTCCCCAAGATCTCAGATTGATACCTTGAGA-3'
Protein context (NP_000341.2, residues 275-295): GILSDMSPRI[Gln285Glu]EFIHRPSMQD